The following is an entry in ClinVar:

NM_002693.3(POLG):c.366C>A (p.Asp122Glu)

Genes: POLG (DNA polymerase gamma, catalytic subunit; minus strand), POLGARF (POLG alternative reading frame; minus strand). Cytogenetic location: 15q26.1.
Variant type: single nucleotide variant.
Coding change: c.366C>A on transcript NM_002693.3 (MANE Select); coding-DNA position 366, C replaced by A.
Protein change: p.Asp122Glu; replaces aspartic acid 122 with glutamic acid.
Molecular consequence: missense variant.
Genome position (GRCh38, 1-based): chr15:89,333,389, G>T on the plus strand (C>A on the coding strand, the complement: POLG is on the minus strand). VCF-style: chr15-89333389-G-T. GRCh37 (hg19) VCF-style: chr15-89876620-G-T.
Other names: c.421C>A, p.Arg141Ser (NM_001430120.1); c.366C>A, p.Asp122Glu (NM_001126131.2); short protein forms R141S, D122E.
Identifiers: ClinVar variation 4994562 (VCV004994562.1).

ClinVar aggregate classification (germline): Uncertain significance (1 of 4 stars; one submission).

Conditions:
POLG-related disorder. Also called: POLG-related condition; POLG-Related Disorders; POLG-Related Spectrum Disorders. Identifiers: MedGen C4763519.

gnomAD v4.1: 2 of 1,588,120 alleles (0.00013%); highest among the groups gnomAD compares: Non-Finnish European, 0.00017%; no homozygotes.

Submission:

PreventionGenetics, part of Exact Sciences
Classification: Uncertain significance for POLG-related condition. Last evaluated: 2026-07-07. Review status: criteria provided, single submitter. Criteria: ACMG Guidelines, 2015. Collection method: clinical testing. Allele origin: germline.
Comment: The POLG c.366C>A variant is predicted to result in the amino acid substitution p.Asp122Glu. To our knowledge, this variant has not been reported in the literature or in a large population database (gnomAD), indicating this variant is rare. At this time, the clinical significance of this variant is uncertain due to the absence of conclusive functional and genetic evidence.